The following is an entry in ClinVar:

NM_152641.4(ARID2):c.4651G>T (p.Ala1551Ser)

Gene: ARID2 (AT-rich interaction domain 2; plus strand). Cytogenetic location: 12q12.
Variant type: single nucleotide variant.
Coding change: c.4651G>T on transcript NM_152641.4 (MANE Select); coding-DNA position 4651, G replaced by T.
Protein change: p.Ala1551Ser; replaces alanine 1551 with serine.
Molecular consequence: missense variant.
Genome position (GRCh38, 1-based): chr12:45,852,774, G>T. VCF-style: chr12-45852774-G-T. GRCh37 (hg19) VCF-style: chr12-46246557-G-T.
Other names: c.4651G>T, p.Ala1551Ser (NM_001347839.2); short protein forms A1551S.
Identifiers: ClinVar variation 4795890 (VCV004795890.1).

ClinVar aggregate classification (germline): Likely benign (1 of 4 stars; one submission).

Conditions:
Coffin-Siris syndrome 6. Identifiers: MedGen C4540499, MONDO:0033492, OMIM 617808.

gnomAD v4.1: 3 of 1,614,094 alleles (0.00019%); highest among the groups gnomAD compares: South Asian, 0.0033%; no homozygotes.

Submission:

Centre for Medical Genetics,  Mumbai
Classification: Likely benign for Coffin-Siris syndrome 6. Last evaluated: 2026-02-19. Review status: criteria provided, single submitter. Criteria: ACMG Guidelines, 2015. Collection method: provider interpretation. Allele origin: germline. Inheritance: Autosomal dominant inheritance. Affected: no. Observed: 1 heterozygote.
Comment: The variant satisfies PM2 criteria; Extremely low frequency in gnomAD population databases. However, the variant satisfies BS2 criteria.

Literature cited by the submitters: PubMed 26238514.